The following is an entry in ClinVar:

ClinVar aggregate classification (germline): Uncertain significance. Review status: criteria provided, multiple submitters, no conflicts (2 of 4 stars). 5 submissions from 5 submitters: Uncertain significance (5). Last evaluated 2025-05-10.

Conditions:
Hereditary cancer-predisposing syndrome. Also called: Hereditary Cancer Syndrome; Neoplastic Syndromes, Hereditary; Tumor predisposition; Hereditary neoplastic syndrome. Identifiers: Orphanet 140162, MedGen C0027672, MeSH D009386, MONDO:0015356.
Lynch syndrome. Identifiers: Orphanet 144, MedGen C4552100, MONDO:0005835. Disease mechanism: loss of function.
Hereditary nonpolyposis colorectal neoplasms. Identifiers: MedGen C0009405, MeSH D003123.
Endometrial carcinoma. Also called: Endometrial carcinoma, somatic. Identifiers: MedGen C0476089, MONDO:0002447, OMIM 608089, HP:0012114.

gnomAD v4.1: 1 of 1,614,142 alleles (0.000062%); highest among the groups gnomAD compares: Non-Finnish European, 0.000085%; no homozygotes.

Submissions (5):

Ambry Genetics
Classification: Uncertain significance for Hereditary cancer-predisposing syndrome. Last evaluated: 2025-05-10. Review status: criteria provided, single submitter. Criteria: Ambry Variant Classification Scheme 2023. Collection method: clinical testing. Allele origin: germline.
Comment: The p.E207D variant (also known as c.621G>T), located in coding exon 3 of the MSH6 gene, results from a G to T substitution at nucleotide position 621. The glutamic acid at codon 207 is replaced by aspartic acid, an amino acid with highly similar properties. This amino acid position is highly conserved in available vertebrate species. In addition, this alteration is predicted to be tolerated by in silico analysis. Since supporting evidence is limited at this time, the clinical significance of this alteration remains unclear.

Labcorp Genetics (formerly Invitae), Labcorp
Classification: Uncertain significance for Hereditary nonpolyposis colorectal neoplasms. Last evaluated: 2024-01-18. Review status: criteria provided, single submitter. Criteria: Invitae Variant Classification Sherloc (09022015). Collection method: clinical testing. Allele origin: germline.
Comment: This sequence change replaces glutamic acid, which is acidic and polar, with aspartic acid, which is acidic and polar, at codon 207 of the MSH6 protein (p.Glu207Asp). This variant is not present in population databases (gnomAD no frequency). This variant has not been reported in the literature in individuals affected with MSH6-related conditions. ClinVar contains an entry for this variant (Variation ID: 490025). Advanced modeling of protein sequence and biophysical properties (such as structural, functional, and spatial information, amino acid conservation, physicochemical variation, residue mobility, and thermodynamic stability) performed at Invitae indicates that this missense variant is not expected to disrupt MSH6 protein function with a negative predictive value of 95%. In summary, the available evidence is currently insufficient to determine the role of this variant in disease. Therefore, it has been classified as a Variant of Uncertain Significance.

Color Diagnostics, LLC DBA Color Health
Classification: Uncertain significance for Hereditary cancer-predisposing syndrome. Last evaluated: 2023-12-05. Review status: criteria provided, single submitter. Criteria: ACMG Guidelines, 2015. Collection method: clinical testing. Allele origin: germline.
Comment: This missense variant replaces glutamic acid with aspartic acid at codon 207 of the MSH6 protein. Computational prediction suggests that this variant may not impact protein structure and function (internally defined REVEL score threshold <= 0.5, PMID: 27666373). To our knowledge, functional studies have not been reported for this variant. This variant has not been reported in individuals affected with MSH6-related disorders in the literature. This variant has not been identified in the general population by the Genome Aggregation Database (gnomAD). The available evidence is insufficient to determine the role of this variant in disease conclusively. Therefore, this variant is classified as a Variant of Uncertain Significance.

Baylor Genetics
Classification: Uncertain significance for Endometrial carcinoma. Last evaluated: 2023-08-31. Review status: criteria provided, single submitter. Criteria: ACMG Guidelines, 2015. Collection method: clinical testing. Allele origin: unknown.

All of Us Research Program, National Institutes of Health
Classification: Uncertain significance for Lynch syndrome. Last evaluated: 2023-05-31. Review status: criteria provided, single submitter. Criteria: ACMG Guidelines, 2015. Collection method: clinical testing. Allele origin: germline. Inheritance: Autosomal dominant inheritance. Observed: 1 variant allele, 1 heterozygote.
Comment: This study involves interpretation of variants in research participants for the purpose of population health screening. Participant phenotype was not available at the time of variant classification. Additional details can be found in publication PMID: 35346344, PMCID: PMC8962531

NM_000179.3(MSH6):c.621G>T (p.Glu207Asp)

Gene: MSH6 (mutS homolog 6; plus strand). Cytogenetic location: 2p16.3.
Variant type: single nucleotide variant.
Coding change: c.621G>T on transcript NM_000179.3 (MANE Select); coding-DNA position 621, G replaced by T.
Protein change: p.Glu207Asp; replaces glutamic acid 207 with aspartic acid.
Molecular consequence: missense variant. On other transcripts: 5 prime UTR variant (1), intron variant (2).
Genome position (GRCh38, 1-based): chr2:47,796,057, G>T. VCF-style: chr2-47796057-G-T. GRCh37 (hg19) VCF-style: chr2-48023196-G-T.
Other names: c.-282G>T (NM_001281494.2); c.-279-2554G>T (NM_001281493.2); c.238-2554G>T (NM_001281492.2); short protein forms E207D.
Identifiers: ClinVar variation 490025 (VCV000490025.19), dbSNP rs1553411509, ClinGen allele CA346738904.
Genomic context (GRCh38, chr2:47,796,057, plus strand): 5'-GATTAAGAGGCTTGAATTGGCAGTTTGTGATGAGCCCTCAGAGCCAGAAGAGGAAGAAGA[G>T]ATGGAGGTGGGACACGGCAAGCATTCAGTTGTTATTTATGTTAGGGTGATGGGGGAAGAA-3'
Protein context (NP_000170.1, residues 197-217): DEPSEPEEEE[Glu207Asp]MEVGTTYVTD